The following is an entry in ClinVar:

ClinVar aggregate classification (germline): Conflicting classifications of pathogenicity. Review status: criteria provided, conflicting classifications (1 of 4 stars). 6 submissions from 6 submitters: Pathogenic (2); Likely pathogenic (1); Uncertain significance (3). Last evaluated 2026-01-25.

Conditions:
Hereditary cancer-predisposing syndrome. Also called: Neoplastic Syndromes, Hereditary; Tumor predisposition; Hereditary neoplastic syndrome; Hereditary Cancer Syndrome. Identifiers: Orphanet 140162, MedGen C0027672, MeSH D009386, MONDO:0015356.
Von Hippel-Lindau syndrome (VHLS). Also called: von Hippel–Lindau syndrome; VHL syndrome; Von Hippel-Lindau. Identifiers: Orphanet 892, MedGen C0019562, MONDO:0008667, OMIM 193300. Disease mechanism: loss of function.
Chuvash polycythemia. Also called: POLYCYTHEMIA, VHL-DEPENDENT. Identifiers: Orphanet 238557, MedGen C1837915, MONDO:0009892, OMIM 263400.

Submissions (6):

Labcorp Genetics (formerly Invitae), Labcorp
Classification: Pathogenic for Von Hippel-Lindau syndrome; Chuvash polycythemia. Last evaluated: 2026-01-25. Review status: criteria provided, single submitter. Criteria: Invitae Variant Classification Sherloc (09022015). Collection method: clinical testing. Allele origin: germline.
Comment: This sequence change replaces proline, which is neutral and non-polar, with leucine, which is neutral and non-polar, at codon 192 of the VHL protein (p.Pro192Leu). This variant is not present in population databases (gnomAD no frequency). This missense change has been observed in individual(s) with clinical features of von Hippel-Lindau syndrome (internal data). It has also been observed to segregate with disease in related individuals. ClinVar contains an entry for this variant (Variation ID: 526677). Invitae Evidence Modeling of protein sequence and biophysical properties (such as structural, functional, and spatial information, amino acid conservation, physicochemical variation, residue mobility, and thermodynamic stability) indicates that this missense variant is expected to disrupt VHL protein function with a positive predictive value of 95%. This variant disrupts the p.Pro192 amino acid residue in VHL. Other variant(s) that disrupt this residue have been observed in individuals with VHL-related conditions (internal data), which suggests that this may be a clinically significant amino acid residue. For these reasons, this variant has been classified as Pathogenic.

Ambry Genetics
Classification: Likely pathogenic for Hereditary cancer-predisposing syndrome. Last evaluated: 2025-05-14. Review status: criteria provided, single submitter. Criteria: Ambry Variant Classification Scheme 2023. Collection method: clinical testing. Allele origin: germline.
Comment: The p.P192L variant (also known as c.575C>T), located in coding exon 3 of the VHL gene, results from a C to T substitution at nucleotide position 575. The proline at codon 192 is replaced by leucine, an amino acid with similar properties. This variant was determined to be functionally deleterious in one saturation genome editing assay (Buckley M et al. Nat Genet, 2024 Jul;56:1446-1455). This alteration has been identified in 2/625 patients with bilateral pheochromocytomas (Neumann HPH et al. JAMA Netw Open, 2019 08;2:e198898) as well as in a patient with unilateral retinal capillary hemangioblastoma (Murro V et al. Mol Vis, 2021 Sep;27:542-554). This amino acid position is highly conserved in available vertebrate species. In addition, this alteration is predicted to be deleterious by in silico analysis. This variant is considered to be rare based on population cohorts in the Genome Aggregation Database (gnomAD). Based on the majority of available evidence to date, this variant is likely to be pathogenic.

KCCC/NGS Laboratory, Kuwait Cancer Control Center
Classification: Uncertain significance for Von Hippel-Lindau syndrome. Last evaluated: 2023-07-07. Review status: criteria provided, single submitter. Criteria: ACMG Guidelines, 2015. Collection method: clinical testing. Allele origin: unknown. Affected: yes.
Comment: This sequence change replaces proline with leucine at codon 192 of the VHL protein (p.Pro192Leu). The proline residue is highly conserved and there is a moderate physicochemical difference between proline and leucine. This variant is not present in population databases gnomAD. This variant has not been reported in the literature in individuals with VHL-related disease. This variant lies in a region which is length 17 amino-acids long and is considered as a dense hot-spot. In-silico predictions show pathogenic computational verdict based on 11 pathogenic predictions from BayesDel_addAF, DANN, DEOGEN2, EIGEN, FATHMM-MKL, LIST-S2, M-CAP, MVP, MutationAssessor, MutationTaster and SIFT vs 1 benign prediction from PrimateAI. However, these predictions have not been confirmed by published functional studies and their clinical significance is uncertain. Therefore, it has been classified as a Variant of Uncertain Significance.

Laboratory of Molecular and Cytogenetics, Department of Anatomy, All India Institute of Medical Sciences (AIIMS)
Classification: Pathogenic for Von Hippel-Lindau syndrome. Last evaluated: 2023-05-21. Review status: criteria provided, single submitter. Criteria: ACMG Guidelines, 2015. Collection method: clinical testing. Allele origin: germline. Affected: yes. Observed: 1 variant allele.

Genomic Diagnostic Laboratory, Division of Genomic Diagnostics, Children's Hospital of Philadelphia
Classification: Uncertain significance for von Hippel-Lindau syndrome. Last evaluated: 2018-08-01. Review status: criteria provided, single submitter. Criteria: DGD Variant Analysis Guidelines. Collection method: clinical testing. Allele origin: germline. Affected: yes. Observed: 1 variant allele.

PreventionGenetics, part of Exact Sciences
Classification: Uncertain significance. Last evaluated: 2015-08-27. Review status: criteria provided, single submitter. Criteria: ACMG Guidelines, 2015. Collection method: clinical testing. Allele origin: germline.

Literature cited by the submitters: PubMed 31397861 (cited by Ambry Genetics); PubMed 34566400 (cited by Ambry Genetics); PubMed 38969834 (cited by Ambry Genetics).

NM_000551.4(VHL):c.575C>T (p.Pro192Leu)

Genes: VHL (von Hippel-Lindau tumor suppressor; plus strand), LOC107303340 (3p25 von Hippel-Lindau tumor suppressor, E3 ubiquitin protein ligase Alu-mediated recombination region; plus strand). Cytogenetic location: 3p25.3.
Variant type: single nucleotide variant.
Coding change: c.575C>T on transcript NM_000551.4 (MANE Select); coding-DNA position 575, C replaced by T.
Protein change: p.Pro192Leu; replaces proline 192 with leucine.
Molecular consequence: missense variant. On other transcripts: 3 prime UTR variant (1).
Genome position (GRCh38, 1-based): chr3:10,149,898, C>T. VCF-style: chr3-10149898-C-T. GRCh37 (hg19) VCF-style: chr3-10191582-C-T.
Other names: c.*129C>T (NM_001354723.2); c.452C>T, p.Pro151Leu (NM_198156.3); short protein forms P192L, P151L.
Identifiers: ClinVar variation 526677 (VCV000526677.17), dbSNP rs902694906, ClinGen allele CA351756444.